The following is an entry in ClinVar:

ClinVar aggregate classification (germline): Uncertain significance (1 of 4 stars; one submission).

Conditions:
Charcot-Marie-Tooth disease axonal type 2O. Also called: CHARCOT-MARIE-TOOTH NEUROPATHY, AXONAL, TYPE 2O; CHARCOT-MARIE-TOOTH DISEASE, AXONAL, AUTOSOMAL DOMINANT, TYPE 2O; Charcot-Marie-Tooth Neuropathy Type 2O; Charcot-Marie-Tooth disease, axonal, type 20. Identifiers: Orphanet 284232, MedGen C3280220, MONDO:0013644, OMIM 614228.

Allele frequency attached by ClinVar (database versions not stated): gnomAD exomes below 0.00001.
gnomAD v4.1: 2 of 1,614,220 alleles (0.00012%); highest among the groups gnomAD compares: South Asian, 0.0022%; no homozygotes.

Submission:

Labcorp Genetics (formerly Invitae), Labcorp
Classification: Uncertain significance for Charcot-Marie-Tooth disease axonal type 2O. Last evaluated: 2023-10-08. Review status: criteria provided, single submitter. Criteria: Invitae Variant Classification Sherloc (09022015). Collection method: clinical testing. Allele origin: germline.
Comment: This sequence change replaces isoleucine, which is neutral and non-polar, with threonine, which is neutral and polar, at codon 3858 of the DYNC1H1 protein (p.Ile3858Thr). This variant is not present in population databases (gnomAD no frequency). This variant has not been reported in the literature in individuals affected with DYNC1H1-related conditions. Advanced modeling of protein sequence and biophysical properties (such as structural, functional, and spatial information, amino acid conservation, physicochemical variation, residue mobility, and thermodynamic stability) performed at Invitae indicates that this missense variant is not expected to disrupt DYNC1H1 protein function. In summary, the available evidence is currently insufficient to determine the role of this variant in disease. Therefore, it has been classified as a Variant of Uncertain Significance.

NM_001376.5(DYNC1H1):c.11573T>C (p.Ile3858Thr)

Gene: DYNC1H1 (dynein cytoplasmic 1 heavy chain 1; plus strand). Cytogenetic location: 14q32.31.
Variant type: single nucleotide variant.
Coding change: c.11573T>C on transcript NM_001376.5 (MANE Select); coding-DNA position 11573, T replaced by C.
Protein change: p.Ile3858Thr; replaces isoleucine 3858 with threonine.
Molecular consequence: missense variant.
Genome position (GRCh38, 1-based): chr14:102,039,524, T>C. VCF-style: chr14-102039524-T-C. GRCh37 (hg19) VCF-style: chr14-102505861-T-C.
Other names: short protein forms I3858T.
Identifiers: ClinVar variation 3023384 (VCV003023384.3), dbSNP rs2503846467, ClinGen allele CA391034766.